The following is an entry in ClinVar:

NM_000018.4(ACADVL):c.751A>G (p.Ser251Gly)

Gene: ACADVL (acyl-CoA dehydrogenase very long chain; plus strand). Cytogenetic location: 17p13.1.
Variant type: single nucleotide variant.
Coding change: c.751A>G on transcript NM_000018.4 (MANE Select); coding-DNA position 751, A replaced by G.
Protein change: p.Ser251Gly; replaces serine 251 with glycine.
Molecular consequence: missense variant.
Genome position (GRCh38, 1-based): chr17:7,222,080, A>G. VCF-style: chr17-7222080-A-G. GRCh37 (hg19) VCF-style: chr17-7125399-A-G.
Other names: NM_000018.4(ACADVL):c.751A>G; p.Ser251Gly; c.685A>G, p.Ser229Gly (NM_001033859.3); c.820A>G, p.Ser274Gly (NM_001270447.2); c.523A>G, p.Ser175Gly (NM_001270448.2); short protein forms S251G, S175G, S274G, S229G.
Identifiers: ClinVar variation 324989 (VCV000324989.27), dbSNP rs749159573, ClinGen allele CA10640460.

ClinVar aggregate classification (germline): Likely pathogenic. Review status: reviewed by expert panel (3 of 4 stars). 9 submissions from 9 submitters: Likely pathogenic (1). 8 of the submissions do not count toward it. Last evaluated 2025-02-25.

Conditions:
ACADVL-related disorder. Also called: ACADVL-related condition.
Very long chain acyl-CoA dehydrogenase deficiency (ACADVLD). Also called: VLCAD Deficiency; Very Long-Chain Acyl-Coenzyme A Dehydrogenase Deficiency. Identifiers: Orphanet 26793, MedGen C3887523, MONDO:0008723, OMIM 201475.

Allele frequency attached by ClinVar (database versions not stated): gnomAD exomes 0.00001.
gnomAD v4.1: 11 of 1,614,150 alleles (0.00068%); highest among the groups gnomAD compares: African/African-American, 0.0013%; no homozygotes.

Submissions (9):

ClinGen ACADVL Variant Curation Expert Panel, ClinGen
Classification: Likely pathogenic for Very long chain acyl-CoA dehydrogenase deficiency. Last evaluated: 2025-02-25. Review status: reviewed by expert panel. Criteria: clingen acadvl acmg specifications v1. Collection method: curation. Allele origin: germline. Inheritance: Autosomal recessive inheritance.
Comment: The NM_000018.4(ACADVL): c.751A>G (p.Ser251Gly) variant is a missense variant predicted to cause substitution of serine by glycine at amino acid 251. This individual was compound heterozygous for the variant and a pathogenic variant and confirmed in trans by parental testing (1.0 PM3 points, PMID: 26937394, PM3_moderate). At least one patient with this variant displayed NBS C14:1 levels ≥ 1.0 μM and follow-up Plasma Acylcarnitine analysis consistent with VLCADD, which is highly specific for VLCAD deficiency (PP4_moderate, PMID: 26937394). The highest population minor allele frequency in gnomAD v2.1.1 is 0.00003 in the non-Finnish European population, which is lower than the ClinGen ACADVL Variant Curation Expert Panel threshold (<0.001) for PM2_Supporting, meeting this criterion (PM2_Supporting). The computational predictor REVEL gives a score of 0.978, which is above the threshold of 0.75, evidence that correlates with impact to ACADVL function (PP3). In summary, this variant meets the criteria to be classified as likely pathogenic for autosomal recessive VLCAD deficiency based on the ACMG/AMP criteria applied, as specified by the ClinGen ACADVL Variant Curation Expert Panel: PM2_Supporting, PM3_moderate, PP3, PP4_Moderate (ACADVL VCEP specifications version 1; approved November 9, 2021).

Labcorp Genetics (formerly Invitae), Labcorp
Classification: Pathogenic for Very long chain acyl-CoA dehydrogenase deficiency. Last evaluated: 2026-01-07. Review status: criteria provided, single submitter. Criteria: Invitae Variant Classification Sherloc (09022015). Collection method: clinical testing. Allele origin: germline. Not counted in ClinVar's aggregate classification.
Comment: This sequence change replaces serine, which is neutral and polar, with glycine, which is neutral and non-polar, at codon 251 of the ACADVL protein (p.Ser251Gly). This variant is present in population databases (rs749159573, gnomAD 0.003%). This missense change has been observed in individual(s) with very long chain acyl CoA dehydrogenase deficiency (VLCAD) deficiency confirmed by biochemical assays (PMID: 26937394; internal data). In at least one individual the data is consistent with being in trans (on the opposite chromosome) from a pathogenic variant. ClinVar contains an entry for this variant (Variation ID: 324989). An algorithm developed to predict the effect of missense changes on protein structure and function (PolyPhen-2) suggests that this variant is likely to be disruptive. Algorithms developed to predict the effect of sequence changes on RNA splicing suggest that this variant may disrupt the consensus splice site. For these reasons, this variant has been classified as Pathogenic.

Natera, Inc.
Classification: Likely pathogenic for Very long chain acyl-CoA dehydrogenase deficiency. Last evaluated: 2025-01-02. Review status: criteria provided, single submitter. Criteria: Natera Variant Classification Schema (03/2026). Collection method: clinical testing. Allele origin: germline. Not counted in ClinVar's aggregate classification.
Comment: The c.751A>G variant in ACADVL is a missense variant predicted to cause substitution of serine to glycine at amino acid 251. This variant is rare in the general population with a frequency below the threshold expected for the associated phenotype(s). This variant has been observed in one or more individuals affected with the associated recessive disease, as either homozygous or compound heterozygous with a second variant (PMID: 26937394, 39701165). This variant is located in a functionally critical region of the protein. Computational prediction algorithms indicate this variant is likely to affect gene or protein function. Given the available evidence, this variant is classified as Likely Pathogenic.

Baylor Genetics
Classification: Likely pathogenic for Very long chain acyl-CoA dehydrogenase deficiency. Last evaluated: 2023-11-18. Review status: criteria provided, single submitter. Criteria: ACMG Guidelines, 2015. Collection method: clinical testing. Allele origin: unknown. Not counted in ClinVar's aggregate classification.

Myriad Genetics, Inc.
Classification: Uncertain significance for Very long chain acyl-CoA dehydrogenase deficiency. Last evaluated: 2021-11-19. Review status: criteria provided, single submitter. Criteria: Myriad Women's Health Autosomal Recessive and X-Linked Classification Criteria (2021). Collection method: clinical testing. Allele origin: unknown. Not counted in ClinVar's aggregate classification.
Comment: NM_000018.3(ACADVL):c.751A>G(S251G) is a missense variant classified as a variant of uncertain significance in the context of very-long-chain acyl-CoA dehydrogenase deficiency. S251G has been observed in cases with relevant disease (PMID: 26385305, 26937394). Functional assessments of this variant are not available in the literature. S251G has been observed in population frequency databases (gnomAD: NFE <0.001%). In summary, there is insufficient evidence to classify NM_000018.3(ACADVL):c.751A>G(S251G) as pathogenic or benign. Please note: this variant was assessed in the context of healthy population screening.

ARUP Laboratories, Molecular Genetics and Genomics, ARUP Laboratories
Classification: Uncertain significance for Very long chain acyl-CoA dehydrogenase deficiency. Last evaluated: 2020-11-03. Review status: criteria provided, single submitter. Criteria: ARUP Molecular Germline Variant Investigation Process 2021. Collection method: clinical testing. Allele origin: germline. Not counted in ClinVar's aggregate classification.
Comment: The ACADVL c.751A>G; p.Ser251Gly (rs749159573) is reported in trans to a pathogenic variant in an infant with VLCAD deficiency (Scott Schwoerer 2015). The variant is reported in the ClinVar database (Variation ID: 324989) and is found in the general population with an overall allele frequency of 0.001% (3/251,484 alleles) in the Genome Aggregation Database. The serine at codon 251 is highly conserved and computational analyses predict that this variant is deleterious (REVEL: 0.978). However, given the lack of clinical and functional data, the significance of the p.Ser251Gly variant is uncertain at this time. References: Scott Schwoerer J et al. Rhabdomyolysis in a neonate due to very long chain acyl CoA dehydrogenase deficiency. Mol Genet Metab Rep. 2015 Mar 30;3:39-41.

Wong Mito Lab, Molecular and Human Genetics, Baylor College of Medicine
Classification: Likely pathogenic for Very long chain acyl-CoA dehydrogenase deficiency. Last evaluated: 2019-11-01. Review status: criteria provided, single submitter. Criteria: ACMG Guidelines, 2015. Collection method: clinical testing. Allele origin: germline. Not counted in ClinVar's aggregate classification.
Comment: The NM_000018.3:c.751A>G (NP_000009.1:p.Ser251Gly) [GRCH38: NC_000017.11:g.7222080A>G] variant in ACADVL gene is interpretated to be Likely Pathogenic based on ACMG guidelines (PMID: 25741868). This variant has been reported. This variant meets the following evidence codes reported in the ACMG guidelines: PS3, PM3, PP3, PP4

Illumina Laboratory Services, Illumina
Classification: Uncertain significance for Very long chain acyl-CoA dehydrogenase deficiency. Last evaluated: 2018-01-13. Review status: criteria provided, single submitter. Criteria: ICSL Variant Classification Criteria 13 December 2019. Collection method: clinical testing. Allele origin: germline. Not counted in ClinVar's aggregate classification.

PreventionGenetics, part of Exact Sciences
Classification: Uncertain significance for ACADVL-related condition. Last evaluated: 2024-06-17. Review status: no assertion criteria provided. Collection method: clinical testing. Allele origin: germline. Not counted in ClinVar's aggregate classification.
Comment: The ACADVL c.751A>G variant is predicted to result in the amino acid substitution p.Ser251Gly. This variant has been reported on the opposite allele (i.e., in trans) of a pathogenic ACADVL variant in a single patient with abnormal newborn screening and an episode of rhabdomyolysis concerning for very long chain acyl-CoA dehydrogenase deficiency (VLCADD) (Scott Schwoerer et al. 2015. PubMed ID: 26937394). However, we have also observed this variant at PreventionGenetics, in the heterozygous state without a second variant identified, in two patients with suspected VLCADD. This variant is reported in 0.0026% of alleles in individuals of European (Non-Finnish) descent in gnomAD. This variant is interpret as uncertain significance, likely pathogenic and pathogenic in Clinvar. Although we suspect that this variant may be pathogenic, at this time, the clinical significance of this variant is uncertain due to the absence of conclusive functional and genetic evidence.

Literature cited by the submitters: PubMed 26937394 (cited by 4 submitters); PubMed 39701165 (cited by Natera, Inc.); PubMed 26385305 (cited by Myriad Genetics, Inc.).